The following is an entry in ClinVar:

NM_003482.4(KMT2D):c.8050C>T (p.Gln2684Ter)

Gene: KMT2D (lysine methyltransferase 2D; minus strand). Cytogenetic location: 12q13.12.
Variant type: single nucleotide variant.
Coding change: c.8050C>T on transcript NM_003482.4 (MANE Select); coding-DNA position 8050, C replaced by T.
Protein change: p.Gln2684Ter; replaces glutamine 2684 with a stop codon.
Molecular consequence: nonsense.
Genome position (GRCh38, 1-based): chr12:49,039,614, G>A on the plus strand (C>T on the coding strand, the complement: KMT2D is on the minus strand). VCF-style: chr12-49039614-G-A. GRCh37 (hg19) VCF-style: chr12-49433397-G-A.
Other names: short protein forms Q2684*.
Identifiers: ClinVar variation 4802969 (VCV004802969.1).
Genomic context (GRCh38, chr12:49,039,614, plus strand): 5'-TCTCCTGCCGCAGGGTGTTGCGCTGGATCTGCTGCCGAATCAGCAGCTCTCGTAGTCGCT[G>A]GCGCTATGCAAAAAAAAGAGAAGAGGAATAAGCCCATTCTACTCCAATCATAGGGCTGCC-3'

ClinVar aggregate classification (germline): Pathogenic (1 of 4 stars; one submission).

Conditions:
Kabuki syndrome. Also called: NIIKAWA-KUROKI SYNDROME; Kabuki make-up syndrome. Identifiers: Orphanet 2322, MedGen C0796004, MONDO:0016512.

Submission:

Labcorp Genetics (formerly Invitae), Labcorp
Classification: Pathogenic for Kabuki syndrome. Last evaluated: 2025-12-15. Review status: criteria provided, single submitter. Criteria: Invitae Variant Classification Sherloc (09022015). Collection method: clinical testing. Allele origin: germline.
Comment: This sequence change creates a premature translational stop signal (p.Gln2684*) in the KMT2D gene. It is expected to result in an absent or disrupted protein product. Loss-of-function variants in KMT2D are known to be pathogenic (PMID: 22126750). This variant is not present in population databases (gnomAD no frequency). This variant has not been reported in the literature in individuals affected with KMT2D-related conditions. For these reasons, this variant has been classified as Pathogenic.

Literature cited by the submitters: PubMed 22126750.